The following is an entry in ClinVar:

ClinVar aggregate classification (germline): Likely benign (1 of 4 stars; one submission).

Conditions:
TENM3-related disorder. Also called: TENM3-related condition.

gnomAD v4.1: 26 of 1,613,802 alleles (0.0016%); highest among the groups gnomAD compares: African/African-American, 0.017%; no homozygotes.

Submission:

PreventionGenetics, part of Exact Sciences
Classification: Likely benign for TENM3-related condition. Last evaluated: 2025-09-24. Review status: criteria provided, single submitter. Criteria: ACMG Guidelines, 2015. Collection method: clinical testing. Allele origin: germline.
Comment: This variant is classified as likely benign based on ACMG/AMP sequence variant interpretation guidelines (Richards et al. 2015 PMID: 25741868, with internal and published modifications).

NM_001080477.4(TENM3):c.4161C>T (p.Pro1387=)

Gene: TENM3 (teneurin transmembrane protein 3; plus strand). Cytogenetic location: 4q35.1.
Variant type: single nucleotide variant.
Coding change: c.4161C>T on transcript NM_001080477.4 (MANE Select); coding-DNA position 4161, C replaced by T.
Protein change: p.Pro1387=; no amino-acid change (proline 1387 retained).
Molecular consequence: synonymous variant.
Genome position (GRCh38, 1-based): chr4:182,754,528, C>T. VCF-style: chr4-182754528-C-T. GRCh37 (hg19) VCF-style: chr4-183675681-C-T.
Other names: c.3393C>T, p.Pro1131= (NM_001415960.1); c.3366C>T, p.Pro1122= (NM_001415961.1); c.3363C>T, p.Pro1121= (NM_001415962.1); c.3345C>T, p.Pro1115= (NM_001415963.1); c.3342C>T, p.Pro1114= (NM_001415964.1); c.3879C>T, p.Pro1293= (NM_001415966.1); c.3903C>T, p.Pro1301= (NM_001415967.1); c.4179C>T, p.Pro1393= (NM_001415968.1); and 4 more.
Identifiers: ClinVar variation 4979625 (VCV004979625.1).